The following is an entry in ClinVar:

ClinVar aggregate classification (germline): Uncertain significance (1 of 4 stars; one submission).

Submission:

GeneDx
Classification: Uncertain significance. Last evaluated: 2024-11-08. Review status: criteria provided, single submitter. Criteria: GeneDx Variant Classification Process June 2021. Collection method: clinical testing. Allele origin: germline. Affected: yes.
Comment: Not observed at significant frequency in large population cohorts (gnomAD); In silico analysis supports a deleterious effect on splicing; Has not been previously published as pathogenic or benign to our knowledge

NM_014727.3(KMT2B):c.5436A>C (p.Ser1812=)

Gene: KMT2B (lysine methyltransferase 2B; plus strand). Cytogenetic location: 19q13.12.
Variant type: single nucleotide variant.
Coding change: c.5436A>C on transcript NM_014727.3 (MANE Select); coding-DNA position 5436, A replaced by C.
Protein change: p.Ser1812=; no amino-acid change (serine 1812 retained).
Molecular consequence: synonymous variant.
Genome position (GRCh38, 1-based): chr19:35,730,866, A>C. VCF-style: chr19-35730866-A-C. GRCh37 (hg19) VCF-style: chr19-36221767-A-C.
Identifiers: ClinVar variation 3899210 (VCV003899210.1).